The following is an entry in ClinVar:

NM_177438.3(DICER1):c.3527A>G (p.Asn1176Ser)

Gene: DICER1 (dicer 1, ribonuclease III; minus strand). Cytogenetic location: 14q32.13.
Variant type: single nucleotide variant.
Coding change: c.3527A>G on transcript NM_177438.3 (MANE Select); coding-DNA position 3527, A replaced by G.
Protein change: p.Asn1176Ser; replaces asparagine 1176 with serine.
Molecular consequence: missense variant.
Genome position (GRCh38, 1-based): chr14:95,103,869, T>C on the plus strand (A>G on the coding strand, the complement: DICER1 is on the minus strand). VCF-style: chr14-95103869-T-C. GRCh37 (hg19) VCF-style: chr14-95570206-T-C.
Other names: c.3527A>G, p.Asn1176Ser (NM_001195573.1, NM_001271282.3, NM_001291628.2 and 1 more transcripts); short protein forms N1176S.
Identifiers: ClinVar variation 477146 (VCV000477146.10), dbSNP rs1555369577, ClinGen allele CA390875062.

ClinVar aggregate classification (germline): Uncertain significance. Review status: criteria provided, multiple submitters, no conflicts (2 of 4 stars). 2 submissions from 2 submitters: Uncertain significance (2). Last evaluated 2024-10-23.

Conditions:
DICER1-related tumor predisposition. Also called: DICER1-related pleuropulmonary blastoma cancer predisposition syndrome; DICER1 syndrome. Identifiers: Orphanet 284343, MedGen C3839822, MONDO:0100216.
Hereditary cancer-predisposing syndrome. Also called: Tumor predisposition; Neoplastic Syndromes, Hereditary; Hereditary Cancer Syndrome; Hereditary neoplastic syndrome. Identifiers: Orphanet 140162, MedGen C0027672, MeSH D009386, MONDO:0015356.

Allele frequency attached by ClinVar (database versions not stated): gnomAD below 0.00001 and 0.00001; gnomAD exomes 0.00001.

Submissions (2):

Labcorp Genetics (formerly Invitae), Labcorp
Classification: Uncertain significance for DICER1-related tumor predisposition. Last evaluated: 2024-10-23. Review status: criteria provided, single submitter. Criteria: Invitae Variant Classification Sherloc (09022015). Collection method: clinical testing. Allele origin: germline.
Comment: This sequence change replaces asparagine, which is neutral and polar, with serine, which is neutral and polar, at codon 1176 of the DICER1 protein (p.Asn1176Ser). This variant is not present in population databases (gnomAD no frequency). This missense change has been observed in individual(s) with clinical features of hereditary breast and ovarian cancer syndrome (PMID: 36315513). ClinVar contains an entry for this variant (Variation ID: 477146). Invitae Evidence Modeling of protein sequence and biophysical properties (such as structural, functional, and spatial information, amino acid conservation, physicochemical variation, residue mobility, and thermodynamic stability) indicates that this missense variant is not expected to disrupt DICER1 protein function with a negative predictive value of 95%. In summary, the available evidence is currently insufficient to determine the role of this variant in disease. Therefore, it has been classified as a Variant of Uncertain Significance.

Ambry Genetics
Classification: Uncertain significance for Hereditary cancer-predisposing syndrome. Last evaluated: 2022-06-22. Review status: criteria provided, single submitter. Criteria: Ambry Variant Classification Scheme 2023. Collection method: clinical testing. Allele origin: germline.
Comment: The p.N1176S variant (also known as c.3527A>G), located in coding exon 20 of the DICER1 gene, results from an A to G substitution at nucleotide position 3527. The asparagine at codon 1176 is replaced by serine, an amino acid with highly similar properties. This amino acid position is conserved. In addition, this alteration is predicted to be tolerated by in silico analysis. Since supporting evidence is limited at this time, the clinical significance of this alteration remains unclear.

Literature cited by the submitters: PubMed 36315513 (cited by Labcorp Genetics (formerly Invitae), Labcorp).